The following is an entry in ClinVar:

NM_138295.5(PKD1L1):c.3158G>C (p.Arg1053Pro)

Gene: PKD1L1 (polycystin 1 like 1, transient receptor potential channel interacting; minus strand). Cytogenetic location: 7p12.3.
Variant type: single nucleotide variant.
Coding change: c.3158G>C on transcript NM_138295.5 (MANE Select); coding-DNA position 3158, G replaced by C.
Protein change: p.Arg1053Pro; replaces arginine 1053 with proline.
Molecular consequence: missense variant.
Genome position (GRCh38, 1-based): chr7:47,885,733, C>G on the plus strand (G>C on the coding strand, the complement: PKD1L1 is on the minus strand). VCF-style: chr7-47885733-C-G. GRCh37 (hg19) VCF-style: chr7-47925331-C-G.
Other names: short protein forms R1053P.
Identifiers: ClinVar variation 1288306 (VCV001288306.12), dbSNP rs10274334, ClinGen allele CA4253527.

ClinVar aggregate classification (germline): Benign. Review status: criteria provided, multiple submitters, no conflicts (2 of 4 stars). 6 submissions from 6 submitters: Benign (5). 1 of the submissions does not count toward it. Last evaluated 2026-02-03.

Conditions:
PKD1L1-related disorder. Also called: PKD1L1-related condition.
Heterotaxy, visceral, 8, autosomal (HTX8). Identifiers: MedGen C4310668, MONDO:0014967, OMIM 617205.

Allele frequency attached by ClinVar (database versions not stated): ESP Exome Variant Server 0.52714; TOPMed 0.55231; 1000 Genomes Project 0.58526; 1000 Genomes Project 30x 0.58698.
gnomAD v4.1: 718,716 of 1,613,696 alleles (45%); highest among the groups gnomAD compares: African/African-American, 75%; 167,645 homozygotes.

Submissions (6):

Labcorp Genetics (formerly Invitae), Labcorp
Classification: Benign. Last evaluated: 2026-02-03. Review status: criteria provided, single submitter. Criteria: Invitae Variant Classification Sherloc (09022015). Collection method: clinical testing. Allele origin: germline.

Blueprint Genetics
Classification: Benign. Last evaluated: 2024-11-27. Review status: criteria provided, single submitter. Criteria: ACMG Guidelines, 2015. Collection method: clinical testing. Allele origin: germline.

Genome-Nilou Lab
Classification: Benign for Heterotaxy, visceral, 8, autosomal. Last evaluated: 2021-09-05. Review status: criteria provided, single submitter. Criteria: ACMG Guidelines, 2015. Collection method: clinical testing. Allele origin: germline. Affected: no.

GeneDx
Classification: Benign. Last evaluated: 2018-07-16. Review status: criteria provided, single submitter. Criteria: GeneDx Variant Classification Process June 2021. Collection method: clinical testing. Allele origin: germline. Affected: yes.

Breakthrough Genomics
Classification: Benign. Review status: criteria provided, single submitter. Criteria: ACMG Guidelines, 2015. Collection method: not provided. Allele origin: germline. Inheritance: Autosomal recessive inheritance. Affected: yes.

PreventionGenetics, part of Exact Sciences
Classification: Benign for PKD1L1-related condition. Last evaluated: 2021-11-27. Review status: no assertion criteria provided. Collection method: clinical testing. Allele origin: germline. Not counted in ClinVar's aggregate classification.
Comment: This variant is classified as benign based on ACMG/AMP sequence variant interpretation guidelines (Richards et al. 2015 PMID: 25741868, with internal and published modifications).